The following is an entry in ClinVar:

NM_058216.3(RAD51C):c.806T>A (p.Met269Lys)

Gene: RAD51C (RAD51 paralog C; plus strand). Cytogenetic location: 17q22.
Variant type: single nucleotide variant.
Coding change: c.806T>A on transcript NM_058216.3 (MANE Select); coding-DNA position 806, T replaced by A.
Protein change: p.Met269Lys; replaces methionine 269 with lysine.
Molecular consequence: missense variant. On other transcripts: non-coding transcript variant (1).
Genome position (GRCh38, 1-based): chr17:58,709,959, T>A. VCF-style: chr17-58709959-T-A. GRCh37 (hg19) VCF-style: chr17-56787320-T-A.
Other names: short protein forms M269K.
Identifiers: ClinVar variation 4542554 (VCV004542554.1).

ClinVar aggregate classification (germline): Uncertain significance (1 of 4 stars; one submission).

Conditions:
Hereditary cancer-predisposing syndrome. Also called: Tumor predisposition; Hereditary Cancer Syndrome; Hereditary neoplastic syndrome; Neoplastic Syndromes, Hereditary. Identifiers: Orphanet 140162, MedGen C0027672, MeSH D009386, MONDO:0015356.

Submission:

Ambry Genetics
Classification: Uncertain significance for Hereditary cancer-predisposing syndrome. Last evaluated: 2025-10-11. Review status: criteria provided, single submitter. Criteria: Ambry Variant Classification Scheme 2023. Collection method: clinical testing. Allele origin: germline.
Comment: The p.M269K variant (also known as c.806T>A), located in coding exon 5 of the RAD51C gene, results from a T to A substitution at nucleotide position 806. The methionine at codon 269 is replaced by lysine, an amino acid with similar properties. This amino acid position is conserved. In addition, this alteration is predicted to be deleterious by in silico analysis. Based on the available evidence, the clinical significance of this variant remains unclear.